The following is an entry in ClinVar:

ClinVar aggregate classification (germline): Uncertain significance. Review status: criteria provided, multiple submitters, no conflicts (2 of 4 stars). 2 submissions from 2 submitters: Uncertain significance (2). Last evaluated 2025-02-11.

Conditions:
Colorectal cancer, susceptibility to, 12 (CRCS12). Also called: COLORECTAL CANCER, SUSCEPTIBILITY TO, ON CHROMOSOME 12q24. Identifiers: Orphanet 220460, MedGen C3554460, MONDO:0014038, OMIM 615083.
Hereditary cancer-predisposing syndrome. Also called: Hereditary neoplastic syndrome; Hereditary Cancer Syndrome; Tumor predisposition; Neoplastic Syndromes, Hereditary. Identifiers: Orphanet 140162, MedGen C0027672, MeSH D009386, MONDO:0015356.

Submissions (2):

Ambry Genetics
Classification: Uncertain significance for Hereditary cancer-predisposing syndrome. Last evaluated: 2025-02-11. Review status: criteria provided, single submitter. Criteria: Ambry Variant Classification Scheme 2023. Collection method: clinical testing. Allele origin: germline.
Comment: The p.K2280R variant (also known as c.6839A>G), located in coding exon 49 of the POLE gene, results from an A to G substitution at nucleotide position 6839. The lysine at codon 2280 is replaced by arginine, an amino acid with highly similar properties. This amino acid position is conserved. In addition, this alteration is predicted to be tolerated by in silico analysis. Based on the available evidence, the clinical significance of this variant remains unclear.

Labcorp Genetics (formerly Invitae), Labcorp
Classification: Uncertain significance for Colorectal cancer, susceptibility to, 12. Last evaluated: 2021-08-28. Review status: criteria provided, single submitter. Criteria: Invitae Variant Classification Sherloc (09022015). Collection method: clinical testing. Allele origin: germline.
Comment: This sequence change replaces lysine with arginine at codon 2280 of the POLE protein (p.Lys2280Arg). The lysine residue is weakly conserved and there is a small physicochemical difference between lysine and arginine. This variant is not present in population databases (ExAC no frequency). This variant has not been reported in the literature in individuals affected with POLE-related conditions. Algorithms developed to predict the effect of missense changes on protein structure and function output the following: SIFT: "Tolerated"; PolyPhen-2: "Benign"; Align-GVGD: "Class C0". The arginine amino acid residue is found in multiple mammalian species, which suggests that this missense change does not adversely affect protein function. In summary, the available evidence is currently insufficient to determine the role of this variant in disease. Therefore, it has been classified as a Variant of Uncertain Significance.

NM_006231.4(POLE):c.6839A>G (p.Lys2280Arg)

Gene: POLE (DNA polymerase epsilon, catalytic subunit; minus strand). Cytogenetic location: 12q24.33.
Variant type: single nucleotide variant.
Coding change: c.6839A>G on transcript NM_006231.4 (MANE Select); coding-DNA position 6839, A replaced by G.
Protein change: p.Lys2280Arg; replaces lysine 2280 with arginine.
Molecular consequence: missense variant.
Genome position (GRCh38, 1-based): chr12:132,624,719, T>C on the plus strand (A>G on the coding strand, the complement: POLE is on the minus strand). VCF-style: chr12-132624719-T-C. GRCh37 (hg19) VCF-style: chr12-133201305-T-C.
Other names: c.6839A>G (NM_006231.2); short protein forms K2280R.
Identifiers: ClinVar variation 1518985 (VCV001518985.6), dbSNP rs2138421700, ClinGen allele CA387365611.
Genomic context (GRCh38, chr12:132,624,719, plus strand): 5'-CTGGCACGGACGCAGAGGCACCCGGGGCCCGGGGCTGGCTAATGGCCCAGCTGTGGGTTC[T>C]TCTGCAGCAGCCACTCCAGGGTCTCCAGGAGGTACGACATGCCGTAGTGCTGGGCAATGT-3'
Protein context (NP_006222.2, residues 2270-2286): LLETLEWLLQ[Lys2280Arg]NPQLGH